The following is an entry in ClinVar:

NM_003978.5(PSTPIP1):c.252G>A (p.Met84Ile)

Gene: PSTPIP1 (proline-serine-threonine phosphatase interacting protein 1; plus strand). Cytogenetic location: 15q24.3.
Variant type: single nucleotide variant.
Coding change: c.252G>A on transcript NM_003978.5 (MANE Select); coding-DNA position 252, G replaced by A.
Protein change: p.Met84Ile; replaces methionine 84 with isoleucine.
Molecular consequence: missense variant. On other transcripts: non-coding transcript variant (1).
Genome position (GRCh38, 1-based): chr15:77,025,502, G>A. VCF-style: chr15-77025502-G-A. GRCh37 (hg19) VCF-style: chr15-77317843-G-A.
Other names: c.252G>A, p.Met84Ile (NM_001321135.2, NM_001411086.1); c.225G>A, p.Met75Ile (NM_001321136.2); c.447G>A, p.Met149Ile (NM_001321137.1); short protein forms M84I, M149I, M75I.
Identifiers: ClinVar variation 2478546 (VCV002478546.5), dbSNP rs1351292631, ClinGen allele CA393518738.

ClinVar aggregate classification (germline): Uncertain significance. Review status: criteria provided, multiple submitters, no conflicts (2 of 4 stars). 2 submissions from 2 submitters: Uncertain significance (2). Last evaluated 2025-08-08.

Conditions:
Inborn genetic diseases. Identifiers: MedGen C0950123, MeSH D030342.
Pyogenic arthritis-pyoderma gangrenosum-acne syndrome (PAPA). Also called: FAMILIAL RECURRENT ARTHRITIS; PAPA SYNDROME. Identifiers: Orphanet 69126, MedGen C1858361, MONDO:0011462, OMIM 604416.

Allele frequency attached by ClinVar (database versions not stated): gnomAD exomes below 0.00001; gnomAD 0.00001.
gnomAD v4.1: 2 of 1,559,964 alleles (0.00013%); highest among the groups gnomAD compares: Non-Finnish European, 0.00017%; no homozygotes.

Submissions (2):

Ambry Genetics
Classification: Uncertain significance for Inborn genetic diseases. Last evaluated: 2025-08-08. Review status: criteria provided, single submitter. Criteria: Ambry Variant Classification Scheme 2023. Collection method: clinical testing. Allele origin: germline.

Labcorp Genetics (formerly Invitae), Labcorp
Classification: Uncertain significance for Pyogenic arthritis-pyoderma gangrenosum-acne syndrome. Last evaluated: 2025-03-10. Review status: criteria provided, single submitter. Criteria: Invitae Variant Classification Sherloc (09022015). Collection method: clinical testing. Allele origin: germline.
Comment: This sequence change replaces methionine, which is neutral and non-polar, with isoleucine, which is neutral and non-polar, at codon 84 of the PSTPIP1 protein (p.Met84Ile). This variant is present in population databases (no rsID available, gnomAD 0.002%). This variant has not been reported in the literature in individuals affected with PSTPIP1-related conditions. ClinVar contains an entry for this variant (Variation ID: 2478546). Invitae Evidence Modeling of protein sequence and biophysical properties (such as structural, functional, and spatial information, amino acid conservation, physicochemical variation, residue mobility, and thermodynamic stability) indicates that this missense variant is not expected to disrupt PSTPIP1 protein function with a negative predictive value of 80%. In summary, the available evidence is currently insufficient to determine the role of this variant in disease. Therefore, it has been classified as a Variant of Uncertain Significance.